The following is an entry in ClinVar:

ClinVar aggregate classification (germline): Pathogenic (1 of 4 stars; one submission).

Conditions:
Mucopolysaccharidosis, MPS-III-D (MPS3D). Also called: N-ACETYLGLUCOSAMINE-6-SULFATASE DEFICIENCY; SANFILIPPO SYNDROME D; MPS IIID (Sanfilippo Syndrome Type D); MUCOPOLYSACCHARIDOSIS, TYPE IIID; MPS III D; Mucopoly-saccharidosis type 3D. Identifiers: Orphanet 581, Orphanet 79272, MedGen C0086650, MONDO:0009658, OMIM 252940.

Submission:

Labcorp Genetics (formerly Invitae), Labcorp
Classification: Pathogenic for Mucopolysaccharidosis, MPS-III-D. Last evaluated: 2019-12-03. Review status: criteria provided, single submitter. Criteria: Invitae Variant Classification Sherloc (09022015). Collection method: clinical testing. Allele origin: germline.
Comment: For these reasons, this variant has been classified as Pathogenic. Loss-of-function variants in GNS are known to be pathogenic (PMID: 20232353). This variant has not been reported in the literature in individuals with GNS-related conditions. This variant is an out-of-frame deletion of the genomic region encompassing exons 3-8 of the GNS gene. This is expected to create a premature translational stop signal and result in an absent or disrupted protein product.

Literature cited by the submitters: PubMed 20232353.

NC_000012.12:g.(?_64739371)_(64747928_?)del

Gene: GNS (glucosamine (N-acetyl)-6-sulfatase; minus strand). Cytogenetic location: 12q14.3.
Variant type: Deletion.
Identifiers: ClinVar variation 831424 (VCV000831424.5).